The following is an entry in ClinVar:

NM_018706.7(DHTKD1):c.1826T>C (p.Val609Ala)

Gene: DHTKD1 (dehydrogenase E1 and transketolase domain containing 1; plus strand). Cytogenetic location: 10p14.
Variant type: single nucleotide variant.
Coding change: c.1826T>C on transcript NM_018706.7 (MANE Select); coding-DNA position 1826, T replaced by C.
Protein change: p.Val609Ala; replaces valine 609 with alanine.
Molecular consequence: missense variant.
Genome position (GRCh38, 1-based): chr10:12,101,111, T>C. VCF-style: chr10-12101111-T-C. GRCh37 (hg19) VCF-style: chr10-12143110-T-C.
Other names: short protein forms V609A.
Identifiers: ClinVar variation 2820618 (VCV002820618.3), dbSNP rs2491496850, ClinGen allele CA376022609.

ClinVar aggregate classification (germline): Uncertain significance (1 of 4 stars; one submission).

Conditions:
2-aminoadipic 2-oxoadipic aciduria (AAKAD). Also called: ALPHA-AMINOADIPIC AND ALPHA-KETOADIPIC ACIDURIA; Aminoadipic aciduria. Identifiers: Orphanet 79154, MedGen C1859817, MONDO:0008774, OMIM 204750.

Allele frequency attached by ClinVar (database versions not stated): gnomAD exomes below 0.00001.
gnomAD v4.1: 1 of 1,614,098 alleles (0.000062%); highest among the groups gnomAD compares: Non-Finnish European, 0.000085%; no homozygotes.

Submission:

Labcorp Genetics (formerly Invitae), Labcorp
Classification: Uncertain significance for 2-aminoadipic 2-oxoadipic aciduria. Last evaluated: 2022-12-13. Review status: criteria provided, single submitter. Criteria: Invitae Variant Classification Sherloc (09022015). Collection method: clinical testing. Allele origin: germline.
Comment: In summary, the available evidence is currently insufficient to determine the role of this variant in disease. Therefore, it has been classified as a Variant of Uncertain Significance. Advanced modeling of protein sequence and biophysical properties (such as structural, functional, and spatial information, amino acid conservation, physicochemical variation, residue mobility, and thermodynamic stability) has been performed at Invitae for this missense variant, however the output from this modeling did not meet the statistical confidence thresholds required to predict the impact of this variant on DHTKD1 protein function. This variant has not been reported in the literature in individuals affected with DHTKD1-related conditions. This variant is not present in population databases (gnomAD no frequency). This sequence change replaces valine, which is neutral and non-polar, with alanine, which is neutral and non-polar, at codon 609 of the DHTKD1 protein (p.Val609Ala).